The following is an entry in ClinVar:

NM_001348323.3(TRIP12):c.4158AGA[1] (p.Glu1387del)

Gene: TRIP12 (thyroid hormone receptor interactor 12; minus strand). Cytogenetic location: 2q36.3.
Variant type: Microsatellite.
Coding change: c.4158AGA[1] on transcript NM_001348323.3 (MANE Select); one copy of the 3-base unit AGA starting at c.4158; the reference has two copies in a row; one copy, 3 bases deleted.
Protein change: p.Glu1387del; deletes glutamic acid 1387.
Molecular consequence: inframe deletion.
Genome position (GRCh38, 1-based): chr2:229,792,205-229,792,207, TCT deleted on the plus strand (AGA on the coding strand, the reverse complement: TRIP12 is on the minus strand); deleting any 3 consecutive bases within chr2:229,792,205-229,792,210 gives the same sequence; the position shown is the placement nearest the transcript's 3' end. VCF-style (leftmost placement, unchanged base first): chr2-229792204-ATCT-A. GRCh37 (hg19) VCF-style: chr2-230656920-ATCT-A.
Other names: c.4143AGA[1], p.Glu1382del (NM_001348319.1, NM_001348320.2); c.4146AGA[1], p.Glu1383del (NM_001348321.1); c.4158AGA[1], p.Glu1387del (NM_001348322.1, NM_001348324.2, NM_001348325.2 and 2 more transcripts); c.4161AGA[1], p.Glu1388del (NM_001348328.1, NM_001348329.2, NM_001348330.2); c.3936AGA[1], p.Glu1313del (NM_001348331.1); c.4056AGA[1], p.Glu1353del (NM_001348332.1); c.4080AGA[1], p.Glu1361del (NM_001348333.1); c.3933AGA[1], p.Glu1312del (NM_004238.3); and 4 more; short protein forms E1042del, E1312del, E1313del, E1340del, E1345del, E1353del, E1360del, E1361del.
Identifiers: ClinVar variation 2572734 (VCV002572734.1), dbSNP rs2471192608, ClinGen allele CA2580616738.

ClinVar aggregate classification (germline): Uncertain significance (1 of 4 stars; one submission).

Submission:

GeneDx
Classification: Uncertain significance. Last evaluated: 2023-07-15. Review status: criteria provided, single submitter. Criteria: GeneDx Variant Classification Process June 2021. Collection method: clinical testing. Allele origin: germline. Affected: yes.
Comment: Not observed at significant frequency in large population cohorts (gnomAD); In-frame deletion of 1 amino acid in a non-repeat region; In silico analysis supports a deleterious effect on protein structure/function; Has not been previously published as pathogenic or benign to our knowledge